The following is an entry in ClinVar:

ClinVar aggregate classification (germline): Uncertain significance. Review status: criteria provided, multiple submitters, no conflicts (2 of 4 stars). 2 submissions from 2 submitters: Uncertain significance (2). Last evaluated 2024-10-24.

Conditions:
Inborn genetic diseases. Identifiers: MedGen C0950123, MeSH D030342.

Submissions (2):

Ambry Genetics
Classification: Uncertain significance for Inborn genetic diseases. Last evaluated: 2024-10-24. Review status: criteria provided, single submitter. Criteria: Ambry Variant Classification Scheme 2023. Collection method: clinical testing. Allele origin: germline.

GeneDx
Classification: Uncertain significance. Last evaluated: 2023-09-18. Review status: criteria provided, single submitter. Criteria: GeneDx Variant Classification Process June 2021. Collection method: clinical testing. Allele origin: germline. Affected: yes.
Comment: Not observed at significant frequency in large population cohorts (gnomAD); In silico analysis supports that this missense variant has a deleterious effect on protein structure/function; Has not been previously published as pathogenic or benign to our knowledge

NM_018006.5(TRMU):c.49A>G (p.Ser17Gly)

Gene: TRMU (tRNA mitochondrial 2-thiouridylase; plus strand). Cytogenetic location: 22q13.31.
Variant type: single nucleotide variant.
Coding change: c.49A>G on transcript NM_018006.5 (MANE Select); coding-DNA position 49, A replaced by G.
Protein change: p.Ser17Gly; replaces serine 17 with glycine.
Molecular consequence: missense variant. On other transcripts: 5 prime UTR variant (3), non-coding transcript variant (2).
Genome position (GRCh38, 1-based): chr22:46,335,813, A>G. VCF-style: chr22-46335813-A-G. GRCh37 (hg19) VCF-style: chr22-46731710-A-G.
Other names: c.-187A>G (NM_001282782.2); c.-206A>G (NM_001282783.2, NM_001282784.2); c.49A>G, p.Ser17Gly (NM_001282785.2); short protein forms S17G.
Identifiers: ClinVar variation 3340211 (VCV003340211.2).
Genomic context (GRCh38, chr22:46,335,813, plus strand): 5'-GGCGACTGGCGGATGCAGGCCTTGCGGCACGTCGTGTGCGCCCTGTCCGGCGGCGTGGAC[A>G]GCGCCGTGGCCGCGCTGCTGCTGAGGCGGAGAGGTGAGGCGTCCGAGGCTCCCGCCCCCC-3'
Protein context (NP_060476.2, residues 7-27): VVCALSGGVD[Ser17Gly]AVAALLLRRR